The following is an entry in ClinVar:

ClinVar aggregate classification (germline): Uncertain significance (1 of 4 stars; one submission).

Conditions:
Congenital myasthenic syndrome 14. Also called: Myasthenic syndrome, congenital, 14, with tubular aggregates. Identifiers: Orphanet 353327, Orphanet 590, MedGen C4015597, MONDO:0014543, OMIM 616228.
Congenital disorder of glycosylation, type Ii. Also called: CDG Ii; ALG2-congenital disorder of glycosylation; ALG2-CDG. Identifiers: Orphanet 79326, MedGen C1842836, MONDO:0011933, OMIM 607906.

Allele frequency attached by ClinVar (database versions not stated): gnomAD exomes below 0.00001; TOPMed 0.00001.
gnomAD v4.1: 2 of 1,614,194 alleles (0.00012%); highest among the groups gnomAD compares: Admixed American, 0.0033%; no homozygotes.

Submission:

Labcorp Genetics (formerly Invitae), Labcorp
Classification: Uncertain significance for Congenital disorder of glycosylation, type Ii; Congenital myasthenic syndrome 14. Last evaluated: 2022-06-04. Review status: criteria provided, single submitter. Criteria: Invitae Variant Classification Sherloc (09022015). Collection method: clinical testing. Allele origin: germline.
Comment: This sequence change replaces alanine, which is neutral and non-polar, with threonine, which is neutral and polar, at codon 384 of the ALG2 protein (p.Ala384Thr). This variant is not present in population databases (gnomAD no frequency). This variant has not been reported in the literature in individuals affected with ALG2-related conditions. ClinVar contains an entry for this variant (Variation ID: 947697). Algorithms developed to predict the effect of missense changes on protein structure and function output the following: SIFT: "Tolerated"; PolyPhen-2: "Benign"; Align-GVGD: "Class C0". The threonine amino acid residue is found in multiple mammalian species, which suggests that this missense change does not adversely affect protein function. In summary, the available evidence is currently insufficient to determine the role of this variant in disease. Therefore, it has been classified as a Variant of Uncertain Significance.

NM_033087.4(ALG2):c.1150G>A (p.Ala384Thr)

Gene: ALG2 (ALG2 alpha-1,3/1,6-mannosyltransferase; minus strand). Cytogenetic location: 9q22.33.
Variant type: single nucleotide variant.
Coding change: c.1150G>A on transcript NM_033087.4 (MANE Select); coding-DNA position 1150, G replaced by A.
Protein change: p.Ala384Thr; replaces alanine 384 with threonine.
Molecular consequence: missense variant. On other transcripts: non-coding transcript variant (1).
Genome position (GRCh38, 1-based): chr9:99,218,035, C>T on the plus strand (G>A on the coding strand, the complement: ALG2 is on the minus strand). VCF-style: chr9-99218035-C-T. GRCh37 (hg19) VCF-style: chr9-101980317-C-T.
Other names: short protein forms A384T.
Identifiers: ClinVar variation 947697 (VCV000947697.7), dbSNP rs1828724423, ClinGen allele CA374225250.